The following is an entry in ClinVar:

ClinVar aggregate classification (germline): Pathogenic (1 of 4 stars; one submission).

Conditions:
Pigmentary pallidal degeneration (NBIA1). Also called: PKAN NEUROAXONAL DYSTROPHY, JUVENILE-ONSET; Pantothenate Kinase-Associated Neurodegeneration; Neuroaxonal dystrophy, late infantile; Hallervorden-Spatz disease; HARP SYNDROME; Neurodegeneration with brain iron accumulation 1. Identifiers: Orphanet 157850, MedGen C0018523, MONDO:0009319, OMIM 234200.

Submission:

Labcorp Genetics (formerly Invitae), Labcorp
Classification: Pathogenic for Pigmentary pallidal degeneration. Last evaluated: 2025-11-12. Review status: criteria provided, single submitter. Criteria: Invitae Variant Classification Sherloc (09022015). Collection method: clinical testing. Allele origin: germline.
Comment: This sequence change creates a premature translational stop signal (p.Asp457Glyfs*3) in the PANK2 gene. It is expected to result in an absent or disrupted protein product. Loss-of-function variants in PANK2 are known to be pathogenic (PMID: 11479594, 12510040). This variant has not been reported in the literature in individuals affected with PANK2-related conditions. For these reasons, this variant has been classified as Pathogenic.

Literature cited by the submitters: PubMed 11479594; PubMed 12510040.

NM_001386393.1(PANK2):c.1039dup (p.Asp347fs)

Gene: PANK2 (pantothenate kinase 2; plus strand). Cytogenetic location: 20p13.
Variant type: Duplication.
Coding change: c.1039dup on transcript NM_001386393.1 (MANE Select); coding-DNA position 1039, one base duplicated (G; older notation c.1039dupG).
Protein change: p.Asp347fs; shifts the reading frame from aspartic acid 347.
Molecular consequence: frameshift variant. On other transcripts: non-coding transcript variant (1).
Genome position (GRCh38, 1-based): chr20:3,912,591, G duplicated; the last of 4 consecutive G bases (chr20:3,912,588-3,912,591); duplicating any one gives the same sequence. VCF-style (leftmost placement, unchanged base first): chr20-3912587-A-AG. GRCh37 (hg19) VCF-style: chr20-3893234-A-AG.
Other names: c.496dup, p.Asp166fs (NM_001324191.2, NM_024960.6, NM_153640.4); c.61dup, p.Asp21fs (NM_001324193.2); c.1369dup, p.Asp457fs (NM_153638.4); short protein forms D166fs, D21fs, D457fs, D347fs.
Identifiers: ClinVar variation 4710838 (VCV004710838.1).
Genomic context (GRCh38, chr20:3,912,587, plus strand): 5'-TGAAATGGCATCTCGTGGAGATAGCACCAAAGTGGATAAACTAGTACGAGATATTTATGG[A>AG]GGGGACTATGAGAGGTTTGGACTGCCAGGCTGGGCTGTGGCTTCAAGGTAAGGGGGCATG-3'